The following is an entry in ClinVar:

ClinVar aggregate classification (germline): Uncertain significance (1 of 4 stars; one submission).

Submission:

GeneDx
Classification: Uncertain significance. Last evaluated: 2022-10-25. Review status: criteria provided, single submitter. Criteria: GeneDx Variant Classification Process June 2021. Collection method: clinical testing. Allele origin: germline. Affected: yes.
Comment: Not observed at significant frequency in large population cohorts (gnomAD); In silico analysis supports a deleterious effect on splicing; Has not been previously published as pathogenic or benign to our knowledge

NM_000142.5(FGFR3):c.443_445+3delinsTAGGTG

Gene: FGFR3 (fibroblast growth factor receptor 3; plus strand). Cytogenetic location: 4p16.3.
Variant type: Indel.
Coding change: c.443_445+3delinsTAGGTG on transcript NM_000142.5 (MANE Select); coding-DNA position 443 through 3 bases into the intron after coding-DNA position 445, CAGGTA replaced by TAGGTG.
Molecular consequence: splice donor variant.
Genome position (GRCh38, 1-based): chr4:1,799,810-1,799,815, CAGGTA replaced by TAGGTG. VCF-style: chr4-1799810-CAGGTA-TAGGTG. GRCh37 (hg19) VCF-style: chr4-1801537-CAGGTA-TAGGTG.
Other names: c.443_445+3delinsTAGGTG (NM_001163213.2, NM_001354809.2, NM_001354810.2 and 1 more transcripts).
Identifiers: ClinVar variation 2500431 (VCV002500431.1), dbSNP rs2546798143, ClinGen allele CA2580070712.
Genomic context (GRCh38, chr4:1,799,810, plus strand): 5'-CTCCATCCTCGGGAGATGACGAAGACGGGGAGGACGAGGCTGAGGACACAGGTGTGGACA[CAGGTA>TAGGTG]GGAGCAGGGTCCAGGGTTCAGGCCAGCCGGGGTGGGGCCCGCTGCCACCGCCAAGCCCTG-3'